The following is an entry in ClinVar:

NM_002661.5(PLCG2):c.657T>A (p.Asp219Glu)

Gene: PLCG2 (phospholipase C gamma 2; plus strand). Cytogenetic location: 16q23.3.
Variant type: single nucleotide variant.
Coding change: c.657T>A on transcript NM_002661.5 (MANE Select); coding-DNA position 657, T replaced by A.
Protein change: p.Asp219Glu; replaces aspartic acid 219 with glutamic acid.
Molecular consequence: missense variant.
Genome position (GRCh38, 1-based): chr16:81,880,918, T>A. VCF-style: chr16-81880918-T-A. GRCh37 (hg19) VCF-style: chr16-81914523-T-A.
Other names: c.657T>A, p.Asp219Glu (NM_001425749.1, NM_001425750.1, NM_001425751.1); short protein forms D219E.
Identifiers: ClinVar variation 3678067 (VCV003678067.2).

ClinVar aggregate classification (germline): Uncertain significance (1 of 4 stars; one submission).

Conditions:
Familial cold autoinflammatory syndrome 3 (FCAS3). Also called: ANTIBODY DEFICIENCY AND IMMUNE DYSREGULATION, PLCG2-ASSOCIATED; FAMILIAL ATYPICAL COLD URTICARIA. Identifiers: Orphanet 300359, MedGen C3280914, MONDO:0013766, OMIM 614468.

gnomAD v4.1: 3 of 1,614,202 alleles (0.00019%); highest among the groups gnomAD compares: South Asian, 0.0022%; no homozygotes.

Submission:

Labcorp Genetics (formerly Invitae), Labcorp
Classification: Uncertain significance for Familial cold autoinflammatory syndrome 3. Last evaluated: 2024-06-13. Review status: criteria provided, single submitter. Criteria: Invitae Variant Classification Sherloc (09022015). Collection method: clinical testing. Allele origin: germline.
Comment: This sequence change replaces aspartic acid, which is acidic and polar, with glutamic acid, which is acidic and polar, at codon 219 of the PLCG2 protein (p.Asp219Glu). This variant is present in population databases (rs748241063, gnomAD 0.006%). This variant has not been reported in the literature in individuals affected with PLCG2-related conditions. An algorithm developed to predict the effect of missense changes on protein structure and function (PolyPhen-2) suggests that this variant is likely to be tolerated. In summary, the available evidence is currently insufficient to determine the role of this variant in disease. Therefore, it has been classified as a Variant of Uncertain Significance.